The following is an entry in ClinVar:

ClinVar aggregate classification (germline): Uncertain significance (1 of 4 stars; one submission).

Allele frequency attached by ClinVar (database versions not stated): gnomAD exomes below 0.00001 and 0.00001; gnomAD 0.00001; TOPMed 0.00001; ExAC 0.00002.
gnomAD v4.1: 4 of 1,613,414 alleles (0.00025%); highest among the groups gnomAD compares: Admixed American, 0.0033%; 1 homozygote.

Submission:

Labcorp Genetics (formerly Invitae), Labcorp
Classification: Uncertain significance. Last evaluated: 2023-10-03. Review status: criteria provided, single submitter. Criteria: Invitae Variant Classification Sherloc (09022015). Collection method: clinical testing. Allele origin: germline.
Comment: This sequence change replaces threonine, which is neutral and polar, with isoleucine, which is neutral and non-polar, at codon 3120 of the CDH23 protein (p.Thr3120Ile). This variant is present in population databases (rs761094932, gnomAD 0.006%). This variant has not been reported in the literature in individuals affected with CDH23-related conditions. ClinVar contains an entry for this variant (Variation ID: 1356823). Advanced modeling of protein sequence and biophysical properties (such as structural, functional, and spatial information, amino acid conservation, physicochemical variation, residue mobility, and thermodynamic stability) performed at Invitae indicates that this missense variant is not expected to disrupt CDH23 protein function. In summary, the available evidence is currently insufficient to determine the role of this variant in disease. Therefore, it has been classified as a Variant of Uncertain Significance.

NM_022124.6(CDH23):c.9359C>T (p.Thr3120Ile)

Gene: CDH23 (cadherin related 23; plus strand). Cytogenetic location: 10q22.1.
Variant type: single nucleotide variant.
Coding change: c.9359C>T on transcript NM_022124.6 (MANE Select); coding-DNA position 9359, C replaced by T.
Protein change: p.Thr3120Ile; replaces threonine 3120 with isoleucine.
Molecular consequence: missense variant. On other transcripts: 5 prime UTR variant (2).
Genome position (GRCh38, 1-based): chr10:71,811,994, C>T. VCF-style: chr10-71811994-C-T. GRCh37 (hg19) VCF-style: chr10-73571751-C-T.
Other names: c.2639C>T, p.Thr880Ile (NM_001171933.1, NM_001171934.1); c.-298C>T (NM_001171935.1, NM_001171936.1); short protein forms T3120I, T880I.
Identifiers: ClinVar variation 1356823 (VCV001356823.4), dbSNP rs761094932, ClinGen allele CA5546994.